The following is an entry in ClinVar:

NM_170707.4(LMNA):c.1157+5G>T

Gene: LMNA (lamin A/C; plus strand). Cytogenetic location: 1q22.
Variant type: single nucleotide variant.
Coding change: c.1157+5G>T on transcript NM_170707.4 (MANE Select); 5 bases into the intron after coding-DNA position 1157, G replaced by T.
Molecular consequence: intron variant.
Genome position (GRCh38, 1-based): chr1:156,136,126, G>T. VCF-style: chr1-156136126-G-T. GRCh37 (hg19) VCF-style: chr1-156105917-G-T.
Other names: c.1157+5G>T (NM_001406983.1, NM_001282625.2, NM_001406984.1 and 6 more transcripts); c.599+5G>T (NM_001407002.1, NM_001406993.1, NM_001407003.1 and 4 more transcripts); c.533+5G>T (NM_001406999.1, NM_001407000.1, NM_001406994.1 and 1 more transcripts); c.914+5G>T (NM_001406986.1, NM_001406987.1, NM_001282624.2); c.821+5G>T (NM_001406989.1, NM_001257374.3, NM_001406998.1); c.860+5G>T (NM_001406988.1).
Identifiers: ClinVar variation 2773541 (VCV002773541.3), dbSNP rs1651582844, ClinGen allele CA2697554601.

ClinVar aggregate classification (germline): Uncertain significance. Review status: criteria provided, multiple submitters, no conflicts (2 of 4 stars). 2 submissions from 2 submitters: Uncertain significance (2). Last evaluated 2023-06-08.

Conditions:
Cardiomyopathy (CMYO). Also called: Cardiomyopathies. Identifiers: Orphanet 167848, MedGen C0878544, MONDO:0004994, HP:0001638. Inheritance: Various modes of inheritance.
Primary dilated cardiomyopathy (DCM). Also called: Dilated Cardiomyopathy. Identifiers: Orphanet 217604, MedGen C0007193, MeSH D002311, MONDO:0005021, HP:0001644. Inheritance: Various modes of inheritance.

Submissions (2):

All of Us Research Program, National Institutes of Health
Classification: Uncertain significance for Primary dilated cardiomyopathy. Last evaluated: 2023-06-08. Review status: criteria provided, single submitter. Criteria: ACMG Guidelines, 2015. Collection method: clinical testing. Allele origin: germline. Inheritance: Autosomal dominant inheritance. Observed: 1 variant allele, 1 heterozygote.
Comment: This variant causes a G to T nucleotide substitution at the +5 position of intron 6 of the LMNA gene. Splice site prediction tools predict that this variant may have a significant impact on RNA splicing. To our knowledge, functional studies have not been reported for this variant. This variant has not been reported in individuals affected with LMNA-related disorders in the literature. This variant has not been identified in the general population by the Genome Aggregation Database (gnomAD). The available evidence is insufficient to determine the role of this variant in disease conclusively. Therefore, this variant is classified as a Variant of Uncertain Significance.

This study involves interpretation of variants in research participants for the purpose of population health screening. Participant phenotype was not available at the time of variant classification. Additional details can be found in publication PMID: 35346344, PMCID: PMC8962531

Color Diagnostics, LLC DBA Color Health
Classification: Uncertain significance for Cardiomyopathy. Last evaluated: 2023-04-17. Review status: criteria provided, single submitter. Criteria: ACMG Guidelines, 2015. Collection method: clinical testing. Allele origin: germline.
Comment: This variant causes a G to T nucleotide substitution at the +5 position of intron 6 of the LMNA gene. Splice site prediction tools predict that this variant may have a significant impact on RNA splicing. To our knowledge, functional studies have not been reported for this variant. This variant has not been reported in individuals affected with LMNA-related disorders in the literature. This variant has not been identified in the general population by the Genome Aggregation Database (gnomAD). The available evidence is insufficient to determine the role of this variant in disease conclusively. Therefore, this variant is classified as a Variant of Uncertain Significance.